The following is an entry in ClinVar:

NM_004960.3(FUS):c.*989C>T

Gene: FUS (FUS DNA/RNA binding protein; plus strand). Cytogenetic location: 16p11.2.
Variant type: single nucleotide variant.
Coding change: c.*989C>T on transcript NM_004960.3; 989 bases downstream of the stop codon, C replaced by T.
Molecular consequence: 3 prime UTR variant (on NM_001170634.1). On other transcripts: non-coding transcript variant (1).
Genome position (GRCh38, 1-based): chr16:31,192,427, C>T. VCF-style: chr16-31192427-C-T. GRCh37 (hg19) VCF-style: chr16-31203748-C-T.
Other names: c.*989C>T (NM_001170634.1, NM_001170937.1).
Identifiers: ClinVar variation 319008 (VCV000319008.7), dbSNP rs114772555, ClinGen allele CA8024221.
Genomic context (GRCh38, chr16:31,192,427, plus strand): 5'-AAACTTGCACGTACCTGCCAACCAGTTATTTAGCATGCTTTTTATTTTAGTTACACAGAG[C>T]GTAACATTAACCCAAGAGCAGAAAGGTTTTATTTACAGGGTTTTCGAACTTGGTTTGTAA-3'

ClinVar aggregate classification (germline): Benign (1 of 4 stars; one submission).

Conditions:
Amyotrophic lateral sclerosis type 6. Also called: FUS-Related Amyotrophic Laterial Sclerosis; AMYOTROPHIC LATERAL SCLEROSIS 6 WITHOUT FRONTOTEMPORAL DEMENTIA; Amyotrophic lateral sclerosis 6, with or without frontotemporal dementia. Identifiers: Orphanet 275872, Orphanet 803, MedGen C2931786, MONDO:0011951, OMIM 608030.

Allele frequency attached by ClinVar (database versions not stated): gnomAD exomes 0.00219 and 0.00344; gnomAD 0.01586 and 0.01702; 1000 Genomes Project 0.01657; 1000 Genomes Project 30x 0.01811; ExAC 0.00149; TOPMed 0.01786.
gnomAD v4.1: 3,237 of 522,432 alleles (0.62%); highest among the groups gnomAD compares: African/African-American, 5.6%; 101 homozygotes.

Submission:

Illumina Laboratory Services, Illumina
Classification: Benign for Amyotrophic lateral sclerosis type 6. Last evaluated: 2018-01-12. Review status: criteria provided, single submitter. Criteria: ICSL Variant Classification Criteria 13 December 2019. Collection method: clinical testing. Allele origin: germline.
Comment: This variant was observed in the ICSL laboratory as part of a predisposition screen in an ostensibly healthy population. It had not been previously curated by ICSL or reported in the Human Gene Mutation Database (HGMD: prior to June 1st, 2018), and was therefore a candidate for classification through an automated scoring system. Utilizing variant allele frequency, disease prevalence and penetrance estimates, and inheritance mode, an automated score was calculated to assess if this variant is too frequent to cause the disease. Based on the score and internal cut-off values, a variant classified as benign is not then subjected to further curation. The score for this variant resulted in a classification of benign for this disease.